The following is an entry in ClinVar:

NM_000018.4(ACADVL):c.830AGA[1] (p.Lys278del)

Gene: ACADVL (acyl-CoA dehydrogenase very long chain; plus strand). Cytogenetic location: 17p13.1.
Variant type: Microsatellite.
Coding change: c.830AGA[1] on transcript NM_000018.4 (MANE Select); one copy of the 3-base unit AGA starting at c.830; the reference has two copies in a row; one copy, 3 bases deleted; also written c.833_835del.
Protein change: p.Lys278del; deletes lysine 278.
Molecular consequence: inframe deletion.
Genome position (GRCh38, 1-based): chr17:7,222,257-7,222,259, AGA deleted; deleting any 3 consecutive bases within chr17:7,222,254-7,222,259 gives the same sequence; the position shown is the placement nearest the transcript's 3' end. VCF-style (leftmost placement, unchanged base first): chr17-7222253-GAGA-G. GRCh37 (hg19) VCF-style: chr17-7125572-GAGA-G.
Other names: NM_000018.4(ACADVL):c.830AGA[1]; p.Lys278del; c.833_835delAGA (NM_000018.4); c.833_835del (NM_000018.3, NM_000018.4); c.764AGA[1], p.Lys256del (NM_001033859.3); c.899AGA[1], p.Lys301del (NM_001270447.2); c.602AGA[1], p.Lys202del (NM_001270448.2); short protein forms K278del, K202del, K256del, K301del.
Identifiers: ClinVar variation 281042 (VCV000281042.51), dbSNP rs769280599, ClinGen allele CA8337864.
Genomic context (GRCh38, chr17:7,222,253, plus strand): 5'-GACATCTTCACGGTCTTTGCCAAGACACCAGTTACAGATCCAGCCACAGGAGCCGTGAAG[GAGA>G]AGATCACAGCTTTTGTGGTGGAGAGGGGCTTCGGGGGCATTACCCAGTGAGTGAATTTGG-3'

ClinVar aggregate classification (germline): Likely pathogenic. Review status: reviewed by expert panel (3 of 4 stars). 16 submissions from 16 submitters: Likely pathogenic (1). 15 of the submissions do not count toward it. Last evaluated 2024-05-16.

Conditions:
ACADVL-related disorder. Also called: ACADVL-related condition.
Inborn genetic diseases. Identifiers: MedGen C0950123, MeSH D030342.
Very long chain acyl-CoA dehydrogenase deficiency (ACADVLD). Also called: VLCAD Deficiency; Very Long-Chain Acyl-Coenzyme A Dehydrogenase Deficiency. Identifiers: Orphanet 26793, MedGen C3887523, MONDO:0008723, OMIM 201475.

Submissions 1 to 11 of 16:

ClinGen ACADVL Variant Curation Expert Panel, ClinGen
Classification: Likely pathogenic for Very long chain acyl-CoA dehydrogenase deficiency. Last evaluated: 2024-05-16. Review status: reviewed by expert panel. Criteria: clingen acadvl acmg specifications v1. Collection method: curation. Allele origin: germline. Inheritance: Autosomal recessive inheritance.
Comment: The NM_000018.4 c.833_835del (p.Lys278del) variant in ACADVL is an in-frame deletion (removes amino acids Lys278) in exon 9/20 that is not predicted to impact splicing (SpliceAI: 0.01). The highest population minor allele frequency in gnomAD v2.1.1 is 0.0001 in African/African American population, which is lower than the ClinGen ACADVL Variant Curation Expert Panel threshold (<0.001) for PM2_Supporting, meeting this criterion (PM2_Supporting). The c.833_835del variant is predicted to cause a change in the length of the protein (p.Lys278del) due to an in-frame deletion of an amino acid in a non-repeat region (PM4). This variant is reported in the literature in multiple individuals affected with very long-chain acyl-CoA dehydrogenase deficiency in both compound heterozygous and homozygous fashion, with at least one of whom displayed elevated C14:1 carnitine level (1.3 µmol/L) and reduced VLCAD enzyme levels (17% WT control), which is highly specific for VLCAD deficiency (PP4_Moderate, PMID: 19327992). This patient also carried a pathogenic variant c.1376G>A in trans (PM3 score = 1.0, PM3, PMID: 19327992). In summary, this variant meets the criteria to be classified as likely pathogenic for autosomal recessive very long chain acyl-CoA dehydrogenase (VLCAD) deficiency based on the ACMG/AMP criteria applied, as specified by the ClinGen ACADVL Variant Curation Expert Panel: PM2_Supporting, PM4, PP4_Moderate, PM3 (ACADVL VCEP specifications version 1; approved November 9, 2021).

Labcorp Genetics (formerly Invitae), Labcorp
Classification: Pathogenic for Very long chain acyl-CoA dehydrogenase deficiency. Last evaluated: 2026-01-17. Review status: criteria provided, single submitter. Criteria: Invitae Variant Classification Sherloc (09022015). Collection method: clinical testing. Allele origin: germline. Not counted in ClinVar's aggregate classification.
Comment: This variant, c.833_835del, results in the deletion of 1 amino acid(s) of the ACADVL protein (p.Lys278del), but otherwise preserves the integrity of the reading frame. This variant is present in population databases (rs769280599, gnomAD 0.01%). This variant has been observed in individual(s) with VLCAD deficiency (PMID: 9973285, 19327992, 23430950, 30194637). ClinVar contains an entry for this variant (Variation ID: 281042). For these reasons, this variant has been classified as Pathogenic.

Natera, Inc.
Classification: Pathogenic for Very long chain acyl-CoA dehydrogenase deficiency. Last evaluated: 2025-07-17. Review status: criteria provided, single submitter. Criteria: Natera Variant Classification Schema (03/2026). Collection method: clinical testing. Allele origin: germline. Not counted in ClinVar's aggregate classification.
Comment: The c.833_835delAGA variant in ACADVL is an in-frame deletion predicted to remove lysine at amino acid 278 while preserving the reading frame. This variant is rare in the general population with a frequency below the threshold expected for the associated phenotype(s). This variant has been observed in one or more individuals affected with the associated recessive disease, as either homozygous or compound heterozygous with a second variant (PMID: 10407852, 24305961, 19327992, 38390979). This variant results in a change to the protein length while preserving reading frame, which may disrupt normal protein structure or function. Computational prediction algorithms indicate this variant is likely to affect gene or protein function. Given the available evidence, this variant is classified as Pathogenic.

CeGaT Center for Human Genetics Tuebingen
Classification: Pathogenic. Last evaluated: 2024-07-01. Review status: criteria provided, single submitter. Criteria: CeGaT Center For Human Genetics Tuebingen Variant Classification Criteria Version 2. Collection method: clinical testing. Allele origin: germline. Affected: yes. Observed: 1 variant allele. Not counted in ClinVar's aggregate classification.
Comment: ACADVL: PM3:Very Strong, PM2, PP4:Moderate, PM4:Supporting

Fulgent Genetics
Classification: Likely pathogenic for Very long chain acyl-CoA dehydrogenase deficiency. Last evaluated: 2024-06-21. Review status: criteria provided, single submitter. Criteria: ACMG Guidelines, 2015. Collection method: clinical testing. Allele origin: germline. Not counted in ClinVar's aggregate classification.

Baylor Genetics
Classification: Pathogenic for Very long chain acyl-CoA dehydrogenase deficiency. Last evaluated: 2024-02-24. Review status: criteria provided, single submitter. Criteria: ACMG Guidelines, 2015. Collection method: clinical testing. Allele origin: unknown. Not counted in ClinVar's aggregate classification.

Women's Health and Genetics/Laboratory Corporation of America, LabCorp
Classification: Pathogenic for Very long chain acyl-CoA dehydrogenase deficiency. Last evaluated: 2023-12-15. Review status: criteria provided, single submitter. Criteria: LabCorp Variant Classification Summary - May 2015. Collection method: clinical testing. Allele origin: germline. Not counted in ClinVar's aggregate classification.
Comment: Variant summary: ACADVL c.833_835delAGA (p.Lys278del) results in an in-frame deletion that is predicted to remove one amino acid from the Acyl-CoA oxidase/dehydrogenase, middle domain (IPR006091) of the encoded protein. The variant allele was found at a frequency of 2e-05 in 251438 control chromosomes. c.833_835delAGA has been reported in the literature as a biallelic genotype in multiple individuals affected with Very Long Chain Acyl-CoA Dehydrogenase Deficiency. These data indicate that the variant is very likely to be associated with disease. The following publications have been ascertained in the context of this evaluation (PMID: 24305961, 32463482, 19327992, 10407852). Eight submitters have cited clinical-significance assessments for this variant to ClinVar after 2014. Based on the evidence outlined above, the variant was classified as pathogenic.

PreventionGenetics, part of Exact Sciences
Classification: Pathogenic for ACADVL-related condition. Last evaluated: 2023-05-08. Review status: criteria provided, single submitter. Criteria: ACMG Guidelines, 2015. Collection method: clinical testing. Allele origin: germline. Not counted in ClinVar's aggregate classification.
Comment: The ACADVL c.833_835delAGA variant is predicted to result in an in-frame deletion (p.Lys278del). This variant has been reported in multiple individuals with Very long chain acyl-CoA dehydrogenase deficiency (see for example, Andresen et al 1999. PubMed ID: 9973285; Laforêt et al. 2009. PubMed ID: 19327992). This variant is reported in 0.012% of alleles in individuals of African descent in gnomAD. This variant is interpreted as pathogenic.

Institute of Human Genetics Munich, TUM University Hospital
Classification: Pathogenic for Very long chain acyl-CoA dehydrogenase deficiency. Last evaluated: 2021-12-13. Review status: criteria provided, single submitter. Criteria: Classification criteria August 2017. Collection method: clinical testing. Allele origin: germline. Inheritance: Autosomal recessive inheritance. Affected: yes. Observed: 1 variant allele. Not counted in ClinVar's aggregate classification.

Ambry Genetics
Classification: Pathogenic for Inborn genetic diseases. Last evaluated: 2021-10-14. Review status: criteria provided, single submitter. Criteria: Ambry Variant Classification Scheme 2023. Collection method: clinical testing. Allele origin: germline. Not counted in ClinVar's aggregate classification.
Comment: The c.833_835delAGA (p.K278del) alteration, located in coding exon 9 of the ACADVL gene, results from an in-frame deletion of 3 nucleotides at positions 833 to 835. This results in the deletion of a lysine residue at codon 278. Based on data from gnomAD, the c.833_835delAGA allele has an overall frequency of <0.01% (5/251438) total alleles studied. The highest observed frequency was 0.01% (2/16252) of African alleles. This mutation was identified in several individuals with very long-chain acyl-CoA dehydrogenase deficiency, in the both the homozygous and compound heterozygous state, with reduced enzyme activity compared to wild type (Lafor&ecirc;t, 2009; Zweers, 2012; Diekman, 2014; Diekman, 2016; Hesse, 2018; Knottnerus, 2020). In addition, this alteration is predicted to be deleterious by in silico analysis (Choi, 2012). Based on the available evidence, this alteration is classified as pathogenic.

GeneDx
Classification: Pathogenic. Last evaluated: 2021-01-27. Review status: criteria provided, single submitter. Criteria: GeneDx Variant Classification Process June 2021. Collection method: clinical testing. Allele origin: germline. Affected: yes. Not counted in ClinVar's aggregate classification.
Comment: Not observed at a significant frequency in large population cohorts (Lek et al., 2016); In silico analysis, which includes protein predictors and evolutionary conservation, supports a deleterious effect; In-frame deletion of one amino acid in a non-repeat region predicted to critically alter the protein; This variant is associated with the following publications: (PMID: 19327992, 32463482, 30194637, 23430950, 9973285, 24305961)